The following is an entry in ClinVar:

NM_007294.4(BRCA1):c.3935_3938del (p.Thr1312fs)

Genes: BRCA1 (BRCA1 DNA repair associated; minus strand), LOC126862571 (BRD4-independent group 4 enhancer GRCh37_chr17:41243136-41244335; plus strand). Cytogenetic location: 17q21.31.
Variant type: Deletion.
Coding change: c.3935_3938del on transcript NM_007294.4 (MANE Select); coding-DNA positions 3935 to 3938, 4 bases deleted (CCCA; older notation c.3935_3938delCCCA).
Protein change: p.Thr1312fs; shifts the reading frame from threonine 1312.
Molecular consequence: frameshift variant. On other transcripts: intron variant (135).
Genome position (GRCh38, 1-based): chr17:43,091,593-43,091,596, TGGG deleted on the plus strand (CCCA on the coding strand, the reverse complement: BRCA1 is on the minus strand); deleting any 4 consecutive bases within chr17:43,091,593-43,091,598 gives the same sequence; the c. name uses the placement nearest the transcript's 3' end. VCF-style (leftmost placement, unchanged base first): chr17-43091592-CTGGG-C. GRCh37 (hg19) VCF-style: chr17-41243609-CTGGG-C.
Other names: c.665-564_665-561del (NM_001408442.1, NM_001408426.1, NM_001408436.1 and 12 more transcripts); c.788-564_788-561del (NM_001407982.1, NM_001407970.1, NM_001407980.1 and 17 more transcripts); c.3725_3728del, p.Thr1242fs (NM_001407882.1, NM_001407884.1, NM_001407885.1 and 13 more transcripts); c.3722_3725del, p.Thr1241fs (NM_001407894.1, NM_001407895.1, NM_001407896.1 and 9 more transcripts); c.3812_3815del, p.Thr1271fs (NM_001407919.1, NM_001407937.1, NM_001407938.1 and 19 more transcripts); c.3671_3674del, p.Thr1224fs (NM_001407920.1, NM_001407921.1, NM_001407922.1 and 9 more transcripts); c.3668_3671del, p.Thr1223fs (NM_001407930.1, NM_001407931.1, NM_001407932.1 and 2 more transcripts); c.3809_3812del, p.Thr1270fs (NM_001407940.1, NM_001407941.1, NM_001407649.1 and 11 more transcripts); and 42 more; short protein forms T1016fs, T1144fs, T1184fs, T1185fs, T1200fs, T1201fs, T1223fs, T1224fs.
Identifiers: ClinVar variation 3226148 (VCV003226148.1), dbSNP rs2552119120, ClinGen allele CA2825002478.

ClinVar aggregate classification (germline): Pathogenic (1 of 4 stars; one submission).

Conditions:
Hereditary cancer-predisposing syndrome. Also called: Neoplastic Syndromes, Hereditary; Tumor predisposition; Hereditary neoplastic syndrome; Hereditary Cancer Syndrome. Identifiers: Orphanet 140162, MedGen C0027672, MeSH D009386, MONDO:0015356.

Submission:

Ambry Genetics
Classification: Pathogenic for Hereditary cancer-predisposing syndrome. Last evaluated: 2024-02-22. Review status: criteria provided, single submitter. Criteria: Ambry Variant Classification Scheme 2023. Collection method: clinical testing. Allele origin: germline.
Comment: The c.3935_3938delCCCA pathogenic mutation, located in coding exon 9 of the BRCA1 gene, results from a deletion of 4 nucleotides at nucleotide positions 3935 to 3938, causing a translational frameshift with a predicted alternate stop codon (p.T1312Rfs*5). This variant is considered to be rare based on population cohorts in the Genome Aggregation Database (gnomAD). This alteration is expected to result in loss of function by premature protein truncation or nonsense-mediated mRNA decay. As such, this alteration is interpreted as a disease-causing mutation.